The following is an entry in ClinVar:

ClinVar aggregate classification (germline): Likely benign (1 of 4 stars; one submission).

gnomAD v4.1: 140 of 1,248,100 alleles (0.011%); highest among the groups gnomAD compares: South Asian, 0.056%; no homozygotes.

Submission:

CeGaT Center for Human Genetics Tuebingen
Classification: Likely benign. Last evaluated: 2026-01-01. Review status: criteria provided, single submitter. Criteria: CeGaT Center For Human Genetics Tuebingen Variant Classification Criteria Version 2. Collection method: clinical testing. Allele origin: germline. Affected: yes. Observed: 1 variant allele.
Comment: HCN2: BS1

NM_001194.4(HCN2):c.1056+2T>G

Genes: HCN2 (hyperpolarization activated cyclic nucleotide gated potassium and sodium channel 2; plus strand), LOC129391015 (MPRA-validated peak3211 silencer; plus strand). Cytogenetic location: 19p13.3.
Variant type: single nucleotide variant.
Coding change: c.1056+2T>G on transcript NM_001194.4 (MANE Select); the canonical splice donor site of the intron after coding-DNA position 1056, T replaced by G.
Molecular consequence: splice donor variant.
Genome position (GRCh38, 1-based): chr19:603,969, T>G. VCF-style: chr19-603969-T-G. GRCh37 (hg19) VCF-style: chr19-603969-T-G.
Identifiers: ClinVar variation 4821108 (VCV004821108.4).
Genomic context (GRCh38, chr19:603,969, plus strand): 5'-GCCTCCTGCGGCTGCTGCGCCTCTCACGCCTGATCCGCTACATCCATCAGTGGGAGGAGG[T>G]GAGGTGGGGCGGGGGCGGGGCCAAGGCAGCAGGGGCGGGGCTATAATGGTGCATGGGCGG-3'